The following is an entry in ClinVar:

NM_020937.4(FANCM):c.5917C>T (p.Leu1973Phe)

Gene: FANCM (FA complementation group M; plus strand). Cytogenetic location: 14q21.2.
Variant type: single nucleotide variant.
Coding change: c.5917C>T on transcript NM_020937.4 (MANE Select); coding-DNA position 5917, C replaced by T.
Protein change: p.Leu1973Phe; replaces leucine 1973 with phenylalanine.
Molecular consequence: missense variant.
Genome position (GRCh38, 1-based): chr14:45,198,844, C>T. VCF-style: chr14-45198844-C-T. GRCh37 (hg19) VCF-style: chr14-45668047-C-T.
Other names: c.5839C>T, p.Leu1947Phe (NM_001308133.2); short protein forms L1973F, L1947F.
Identifiers: ClinVar variation 839399 (VCV000839399.13), dbSNP rs1890214915, ClinGen allele CA389587370.

ClinVar aggregate classification (germline): Uncertain significance. Review status: criteria provided, multiple submitters, no conflicts (2 of 4 stars). 3 submissions from 3 submitters: Uncertain significance (3). Last evaluated 2025-07-12.

Conditions:
Inborn genetic diseases. Identifiers: MedGen C0950123, MeSH D030342.
Fanconi anemia (FA). Also called: Fanconi's anemia. Identifiers: Orphanet 84, MedGen C0015625, MeSH D005199, MONDO:0019391.

Allele frequency attached by ClinVar (database versions not stated): gnomAD exomes below 0.00001; TOPMed below 0.00001; gnomAD 0.00001.
gnomAD v4.1: 2 of 1,612,414 alleles (0.00012%); highest among the groups gnomAD compares: Admixed American, 0.0017%; no homozygotes.

Submissions (3):

Ambry Genetics
Classification: Uncertain significance for Inborn genetic diseases. Last evaluated: 2025-07-12. Review status: criteria provided, single submitter. Criteria: Ambry Variant Classification Scheme 2023. Collection method: clinical testing. Allele origin: germline.

GeneDx
Classification: Uncertain significance. Last evaluated: 2020-09-22. Review status: criteria provided, single submitter. Criteria: GeneDx Variant Classification Process June 2021. Collection method: clinical testing. Allele origin: germline. Affected: yes.
Comment: Not observed in large population cohorts (Lek et al., 2016); In silico analysis supports that this missense variant has a deleterious effect on protein structure/function; Has not been previously published as pathogenic or benign to our knowledge

Labcorp Genetics (formerly Invitae), Labcorp
Classification: Uncertain significance for Fanconi anemia. Last evaluated: 2019-12-31. Review status: criteria provided, single submitter. Criteria: Invitae Variant Classification Sherloc (09022015). Collection method: clinical testing. Allele origin: germline.
Comment: In summary, the available evidence is currently insufficient to determine the role of this variant in disease. Therefore, it has been classified as a Variant of Uncertain Significance. Algorithms developed to predict the effect of missense changes on protein structure and function output the following: SIFT: "Tolerated"; PolyPhen-2: "Benign"; Align-GVGD: "Class C0". The phenylalanine amino acid residue is found in multiple mammalian species, suggesting that this missense change does not adversely affect protein function. These predictions have not been confirmed by published functional studies and their clinical significance is uncertain. This variant has not been reported in the literature in individuals with FANCM-related conditions. This variant is not present in population databases (ExAC no frequency). This sequence change replaces leucine with phenylalanine at codon 1973 of the FANCM protein (p.Leu1973Phe). The leucine residue is moderately conserved and there is a small physicochemical difference between leucine and phenylalanine.